The following is an entry in ClinVar:

NM_000290.4(PGAM2):c.264T>C (p.Asn88=)

Genes: PGAM2 (phosphoglycerate mutase 2; minus strand), DBNL (drebrin like; plus strand), LOC129998343 (ATAC-STARR-seq lymphoblastoid active region 25926; plus strand). Cytogenetic location: 7p13.
Variant type: single nucleotide variant.
Coding change: c.264T>C on transcript NM_000290.4 (MANE Select); coding-DNA position 264, T replaced by C.
Protein change: p.Asn88=; no amino-acid change (asparagine 88 retained).
Molecular consequence: synonymous variant. On other transcripts: 3 prime UTR variant (6).
Genome position (GRCh38, 1-based): chr7:44,065,266, A>G on the plus strand (T>C on the coding strand, the complement: PGAM2 is on the minus strand). VCF-style: chr7-44065266-A-G. GRCh37 (hg19) VCF-style: chr7-44104865-A-G.
Other names: c.*4350A>G (NM_001014436.3, NM_001122956.2, NM_001284313.2 and 3 more transcripts).
Identifiers: ClinVar variation 507813 (VCV000507813.33), dbSNP rs146272559, ClinGen allele CA4236636.

ClinVar aggregate classification (germline): Likely benign. Review status: criteria provided, multiple submitters, no conflicts (2 of 4 stars). 4 submissions from 4 submitters: Likely benign (4). Last evaluated 2025-02-19.

Conditions:
Glycogen storage disease type X (GSD10). Also called: Dimauro disease; Glycogen storage disease due to phosphoglycerate mutase deficiency; GSD X; MYOPATHY DUE TO PHOSPHOGLYCERATE MUTASE DEFICIENCY; PGAMM DEFICIENCY; PHOSPHOGLYCERATE MUTASE, MUSCLE, DEFICIENCY OF. Identifiers: Orphanet 97234, MedGen C0268149, MONDO:0009865, OMIM 261670.

Allele frequency attached by ClinVar (database versions not stated): gnomAD exomes 0.00005 and 0.00008; gnomAD 0.00006 and 0.00007; TOPMed 0.00006; ExAC 0.00008; ESP Exome Variant Server 0.00008.
gnomAD v4.1: 80 of 1,613,680 alleles (0.005%); highest among the groups gnomAD compares: Non-Finnish European, 0.0058%; no homozygotes.

Submissions (4):

Labcorp Genetics (formerly Invitae), Labcorp
Classification: Likely benign for Glycogen storage disease type X. Last evaluated: 2025-02-19. Review status: criteria provided, single submitter. Criteria: Invitae Variant Classification Sherloc (09022015). Collection method: clinical testing. Allele origin: germline.

Blueprint Genetics
Classification: Likely benign. Last evaluated: 2023-12-20. Review status: criteria provided, single submitter. Criteria: ACMG Guidelines, 2015. Collection method: clinical testing. Allele origin: germline.

CeGaT Center for Human Genetics Tuebingen
Classification: Likely benign. Last evaluated: 2022-07-01. Review status: criteria provided, single submitter. Criteria: CeGaT Center For Human Genetics Tuebingen Variant Classification Criteria Version 2. Collection method: clinical testing. Allele origin: germline. Affected: yes. Observed: 1 variant allele.
Comment: PGAM2: BP4, BP7

GeneDx
Classification: Likely benign. Last evaluated: 2019-03-13. Review status: criteria provided, single submitter. Criteria: GeneDx Variant Classification Process June 2021. Collection method: clinical testing. Allele origin: germline. Affected: yes.